The following is an entry in ClinVar:

ClinVar aggregate classification (germline): Uncertain significance (1 of 4 stars; one submission).

Conditions:
Brugada syndrome 8 (BRGDA8). Identifiers: Orphanet 130, MedGen C2751083, MONDO:0013148, OMIM 613123.

Submission:

Labcorp Genetics (formerly Invitae), Labcorp
Classification: Uncertain significance for Brugada syndrome 8. Last evaluated: 2025-12-31. Review status: criteria provided, single submitter. Criteria: Invitae Variant Classification Sherloc (09022015). Collection method: clinical testing. Allele origin: germline.
Comment: This variant, c.2151_2153del, results in the deletion of 1 amino acid(s) of the HCN4 protein (p.Lys717del), but otherwise preserves the integrity of the reading frame. This variant is present in population databases (no rsID available, gnomAD 0.01%). This variant has not been reported in the literature in individuals affected with HCN4-related conditions. Experimental studies and prediction algorithms are not available or were not evaluated, and the functional significance of this variant is currently unknown. In summary, the available evidence is currently insufficient to determine the role of this variant in disease. Therefore, it has been classified as a Variant of Uncertain Significance.

NM_005477.3(HCN4):c.2148GAA[1] (p.Lys717del)

Gene: HCN4 (hyperpolarization activated cyclic nucleotide gated potassium channel 4; minus strand). Cytogenetic location: 15q24.1.
Variant type: Microsatellite.
Coding change: c.2148GAA[1] on transcript NM_005477.3 (MANE Select); one copy of the 3-base unit GAA starting at c.2148; the reference has two copies in a row; one copy, 3 bases deleted.
Protein change: p.Lys717del; deletes lysine 717.
Genome position (GRCh38, 1-based): chr15:73,323,940-73,323,942, TTC deleted on the plus strand (GAA on the coding strand, the reverse complement: HCN4 is on the minus strand); deleting any 3 consecutive bases within chr15:73,323,940-73,323,947 gives the same sequence; the position shown is the placement nearest the transcript's 3' end. VCF-style (leftmost placement, unchanged base first): chr15-73323939-GTTC-G. GRCh37 (hg19) VCF-style: chr15-73616280-GTTC-G.
Other names: short protein forms K717del.
Identifiers: ClinVar variation 3697445 (VCV003697445.2).